The following is an entry in ClinVar:

NM_005751.5(AKAP9):c.11416+222A>G

Gene: AKAP9 (A-kinase anchoring protein 9; plus strand). Cytogenetic location: 7q21.2.
Variant type: single nucleotide variant.
Coding change: c.11416+222A>G on transcript NM_005751.5 (MANE Select); 222 bases into the intron after coding-DNA position 11416, A replaced by G.
Molecular consequence: intron variant.
Genome position (GRCh38, 1-based): chr7:92,105,985, A>G. VCF-style: chr7-92105985-A-G. GRCh37 (hg19) VCF-style: chr7-91735299-A-G.
Other names: c.11392+222A>G (NM_147185.3); c.6061+222A>G (NM_001379277.1).
Identifiers: ClinVar variation 677812 (VCV000677812.1), dbSNP rs9690778, ClinGen allele CA12475511.

ClinVar aggregate classification (germline): Benign (1 of 4 stars; one submission).

Allele frequency attached by ClinVar (database versions not stated): 1000 Genomes Project 0.36222; 1000 Genomes Project 30x 0.36540; gnomAD 0.40070 and 0.40393; TOPMed 0.40253.
gnomAD v4.1: 60,807 of 152,070 alleles (40%); highest among the groups gnomAD compares: African/African-American, 47%; 12,501 homozygotes.

Submission:

GeneDx
Classification: Benign. Last evaluated: 2018-06-14. Review status: criteria provided, single submitter. Criteria: GeneDx Variant Classification (06012015). Collection method: clinical testing. Allele origin: germline. Affected: yes.
Comment: This variant is considered likely benign or benign based on one or more of the following criteria: it is a conservative change, it occurs at a poorly conserved position in the protein, it is predicted to be benign by multiple in silico algorithms, and/or has population frequency not consistent with disease.